The following is an entry in ClinVar:

NM_002972.4(SBF1):c.301G>T (p.Ala101Ser)

Gene: SBF1 (SET binding factor 1; minus strand). Cytogenetic location: 22q13.33.
Variant type: single nucleotide variant.
Coding change: c.301G>T on transcript NM_002972.4 (MANE Select); coding-DNA position 301, G replaced by T.
Protein change: p.Ala101Ser; replaces alanine 101 with serine.
Molecular consequence: missense variant.
Genome position (GRCh38, 1-based): chr22:50,467,669, C>A on the plus strand (G>T on the coding strand, the complement: SBF1 is on the minus strand). VCF-style: chr22-50467669-C-A. GRCh37 (hg19) VCF-style: chr22-50906098-C-A.
Other names: c.301G>T, p.Ala101Ser (NM_001410795.1, NM_197971.1); c.301G>T (NM_002972.2); c.304G>T, p.Ala102Ser (NM_001365819.1, NM_001410794.1); short protein forms A102S, A101S.
Identifiers: ClinVar variation 2989246 (VCV002989246.4), dbSNP rs770686004, ClinGen allele CA10318131.

ClinVar aggregate classification (germline): Uncertain significance. Review status: criteria provided, multiple submitters, no conflicts (2 of 4 stars). 2 submissions from 2 submitters: Uncertain significance (2). Last evaluated 2024-02-12.

Allele frequency attached by ClinVar (database versions not stated): TOPMed 0.00002; 1000 Genomes Project 30x 0.00016.
gnomAD v4.1: 13 of 1,607,926 alleles (0.00081%); highest among the groups gnomAD compares: East Asian, 0.027%; no homozygotes.

Submissions (2):

Ambry Genetics
Classification: Uncertain significance. Last evaluated: 2024-02-12. Review status: criteria provided, single submitter. Criteria: Ambry Variant Classification Scheme 2023. Collection method: clinical testing. Allele origin: germline.

Labcorp Genetics (formerly Invitae), Labcorp
Classification: Uncertain significance. Last evaluated: 2023-08-17. Review status: criteria provided, single submitter. Criteria: Invitae Variant Classification Sherloc (09022015). Collection method: clinical testing. Allele origin: germline.
Comment: In summary, the available evidence is currently insufficient to determine the role of this variant in disease. Therefore, it has been classified as a Variant of Uncertain Significance. An algorithm developed to predict the effect of missense changes on protein structure and function (PolyPhen-2) suggests that this variant is likely to be tolerated. This variant has not been reported in the literature in individuals affected with SBF1-related conditions. This variant is present in population databases (rs770686004, gnomAD 0.04%). This sequence change replaces alanine, which is neutral and non-polar, with serine, which is neutral and polar, at codon 101 of the SBF1 protein (p.Ala101Ser).